The following is an entry in ClinVar:

ClinVar aggregate classification (germline): Uncertain significance. Review status: criteria provided, multiple submitters, no conflicts (2 of 4 stars). 2 submissions from 2 submitters: Uncertain significance (2). Last evaluated 2024-02-25.

Conditions:
Sessile serrated polyposis cancer syndrome (SSPCS). Identifiers: Orphanet 157798, MedGen C4310714, MONDO:0014919, OMIM 617108.

Allele frequency attached by ClinVar (database versions not stated): gnomAD exomes below 0.00001; gnomAD 0.00001; TOPMed 0.00001.

Submissions (2):

Baylor Genetics
Classification: Uncertain significance for Sessile serrated polyposis cancer syndrome. Last evaluated: 2024-02-25. Review status: criteria provided, single submitter. Criteria: ACMG Guidelines, 2015. Collection method: clinical testing. Allele origin: unknown.

Labcorp Genetics (formerly Invitae), Labcorp
Classification: Uncertain significance. Last evaluated: 2022-08-25. Review status: criteria provided, single submitter. Criteria: Invitae Variant Classification Sherloc (09022015). Collection method: clinical testing. Allele origin: germline.
Comment: This variant has not been reported in the literature in individuals affected with RNF43-related conditions. This variant is present in population databases (no rsID available, gnomAD 0.007%). This sequence change replaces glycine, which is neutral and non-polar, with arginine, which is basic and polar, at codon 59 of the RNF43 protein (p.Gly59Arg). In summary, the available evidence is currently insufficient to determine the role of this variant in disease. Therefore, it has been classified as a Variant of Uncertain Significance. Algorithms developed to predict the effect of missense changes on protein structure and function are either unavailable or do not agree on the potential impact of this missense change (SIFT: "Deleterious"; PolyPhen-2: "Probably Damaging"; Align-GVGD: "Class C0").

NM_017763.6(RNF43):c.175G>A (p.Gly59Arg)

Gene: RNF43 (ring finger protein 43; minus strand). Cytogenetic location: 17q22.
Variant type: single nucleotide variant.
Coding change: c.175G>A on transcript NM_017763.6 (MANE Select); coding-DNA position 175, G replaced by A.
Protein change: p.Gly59Arg; replaces glycine 59 with arginine.
Molecular consequence: missense variant.
Genome position (GRCh38, 1-based): chr17:58,415,403, C>T on the plus strand (G>A on the coding strand, the complement: RNF43 is on the minus strand). VCF-style: chr17-58415403-C-T. GRCh37 (hg19) VCF-style: chr17-56492764-C-T.
Other names: c.175G>A, p.Gly59Arg (NM_001305544.3); short protein forms G59R.
Identifiers: ClinVar variation 1945624 (VCV001945624.6), dbSNP rs1361902496, ClinGen allele CA400358200.